The following is an entry in ClinVar:

ClinVar aggregate classification (germline): Conflicting classifications of pathogenicity. Review status: criteria provided, conflicting classifications (1 of 4 stars). 2 submissions from 2 submitters: Uncertain significance (1); Likely benign (1). Last evaluated 2025-07-14.

Conditions:
Spastic paraplegia. Identifiers: MedGen C0037772, HP:0001258.

Allele frequency attached by ClinVar (database versions not stated): ESP Exome Variant Server 0.00008; gnomAD 0.00008 and 0.00009; ExAC 0.00012; gnomAD exomes 0.00012; TOPMed 0.00017.
gnomAD v4.1: 178 of 1,613,818 alleles (0.011%); highest among the groups gnomAD compares: Middle Eastern, 0.26%; no homozygotes.

Submissions (2):

Labcorp Genetics (formerly Invitae), Labcorp
Classification: Likely benign for Spastic paraplegia. Last evaluated: 2025-07-14. Review status: criteria provided, single submitter. Criteria: Invitae Variant Classification Sherloc (09022015). Collection method: clinical testing. Allele origin: germline.

Center for Pediatric Genomic Medicine, Children's Mercy Hospital and Clinics
Classification: Uncertain significance. Last evaluated: 2017-01-05. Review status: criteria provided, single submitter. Criteria: ACMG Guidelines, 2015. Collection method: clinical testing. Allele origin: germline.
ClinVar note: Converted during submission from Uncertain Significance to Uncertain significance.

NM_183075.3(CYP2U1):c.629T>C (p.Met210Thr)

Gene: CYP2U1 (cytochrome P450 family 2 subfamily U member 1; plus strand). Cytogenetic location: 4q25.
Variant type: single nucleotide variant.
Coding change: c.629T>C on transcript NM_183075.3 (MANE Select); coding-DNA position 629, T replaced by C.
Protein change: p.Met210Thr; replaces methionine 210 with threonine.
Molecular consequence: missense variant.
Genome position (GRCh38, 1-based): chr4:107,945,108, T>C. VCF-style: chr4-107945108-T-C. GRCh37 (hg19) VCF-style: chr4-108866264-T-C.
Other names: short protein forms M210T.
Identifiers: ClinVar variation 376789 (VCV000376789.9), dbSNP rs143913941, ClinGen allele CA3037034.